The following is an entry in ClinVar:

NM_000089.4(COL1A2):c.1981G>C (p.Gly661Arg)

Gene: COL1A2 (collagen type I alpha 2 chain; plus strand). Cytogenetic location: 7q21.3.
Variant type: single nucleotide variant.
Coding change: c.1981G>C on transcript NM_000089.4 (MANE Select); coding-DNA position 1981, G replaced by C.
Protein change: p.Gly661Arg; replaces glycine 661 with arginine.
Molecular consequence: missense variant.
Genome position (GRCh38, 1-based): chr7:94,418,508, G>C. VCF-style: chr7-94418508-G-C. GRCh37 (hg19) VCF-style: chr7-94047820-G-C.
Other names: short protein forms G661R.
Identifiers: ClinVar variation 2036181 (VCV002036181.5), dbSNP rs72658152, ClinGen allele CA368223003.

ClinVar aggregate classification (germline): Pathogenic. Review status: criteria provided, multiple submitters, no conflicts (2 of 4 stars). 2 submissions from 2 submitters: Pathogenic (2). Last evaluated 2025-07-16.

Conditions:
Osteogenesis imperfecta with normal sclerae, dominant form (OI4). Also called: OSTEOGENESIS IMPERFECTA, TYPE IV, WITH DENTINOGENESIS IMPERFECTA; OSTEOGENESIS IMPERFECTA WITH NORMAL SCLERAE; Osteogenesis imperfecta type 4; Osteogenesis Imperfecta Type IV; Common Variable Osteogenesis Imperfecta with Normal Sclerae. Identifiers: Orphanet 216820, Orphanet 666, MedGen C0268363, MONDO:0008148, OMIM 166220.
Ehlers-Danlos syndrome, classic type, 1 (EDSCL1). Also called: EHLERS-DANLOS SYNDROME, GRAVIS TYPE; EHLERS-DANLOS SYNDROME, SEVERE CLASSIC TYPE; Ehlers-Danlos syndrome, type 1; EDS I; Ehlers-Danlos Syndrome, Classic Type, COL5A1-Related. Identifiers: MedGen C0268335, MONDO:0019567, OMIM 130000.
Osteogenesis imperfecta type I (OI1). Also called: OI, TYPE I; OSTEOGENESIS IMPERFECTA TARDA; OSTEOGENESIS IMPERFECTA WITH BLUE SCLERAE; Osteogenesis imperfecta type 1; Lobstein's Disease; Lobstein disease. Identifiers: Orphanet 216796, Orphanet 666, MedGen C0023931, MONDO:0008146, OMIM 166200. Disease mechanism: loss of function.

Submissions (2):

Clinical Biomedical Laboratory, Shriners Hospital For Children - Canada
Classification: Pathogenic for Osteogenesis imperfecta with normal sclerae, dominant form. Last evaluated: 2025-07-16. Review status: criteria provided, single submitter. Criteria: ACMG Guidelines, 2015. Collection method: clinical testing. Allele origin: germline. Affected: yes.
Comment: This variant is predicted to substitute a glycine residue by an arginine residue in the alpha 2 chain of collagen type I. Glycine substitutions in the triple helical domain of collagen type I cause disruption in the formation of the triple helix in the collagen molecule and are a typical cause of osteogenesis imperfecta. This variant is absent from the Genome Aggregation Database (v2.1.1). Missense variants affecting the same glycine residue have been reported in the literature (e.g., PMID 17078022, 27509835).

Labcorp Genetics (formerly Invitae), Labcorp
Classification: Pathogenic for Osteogenesis imperfecta type I; Ehlers-Danlos syndrome, classic type, 1. Last evaluated: 2023-07-10. Review status: criteria provided, single submitter. Criteria: Invitae Variant Classification Sherloc (09022015). Collection method: clinical testing. Allele origin: germline.
Comment: ClinVar contains an entry for this variant (Variation ID: 2036181). This missense change has been observed in individuals with clinical features of osteogenesis imperfecta (Invitae). This variant is not present in population databases (gnomAD no frequency). This sequence change replaces glycine, which is neutral and non-polar, with arginine, which is basic and polar, at codon 661 of the COL1A2 protein (p.Gly661Arg). Advanced modeling of protein sequence and biophysical properties (such as structural, functional, and spatial information, amino acid conservation, physicochemical variation, residue mobility, and thermodynamic stability) performed at Invitae indicates that this missense variant is expected to disrupt COL1A2 protein function. For these reasons, this variant has been classified as Pathogenic. This variant disrupts the triple helix domain of COL1A2. Glycine residues within the Gly-Xaa-Yaa repeats of the triple helix domain are required for the structure and stability of fibrillar collagens (PMID: 7695699, 8218237, 19344236). In COL1A2, variants affecting these glycine residues are significantly enriched in individuals with disease (PMID: 9016532, 17078022) compared to the general population (ExAC).

Literature cited by the submitters: PubMed 17078022 (cited by Clinical Biomedical Laboratory, Shriners Hospital For Children - Canada and Labcorp Genetics (formerly Invitae), Labcorp); PubMed 27509835 (cited by Clinical Biomedical Laboratory, Shriners Hospital For Children - Canada); PubMed 7695699 (cited by Labcorp Genetics (formerly Invitae), Labcorp); PubMed 8218237 (cited by Labcorp Genetics (formerly Invitae), Labcorp); PubMed 19344236 (cited by Labcorp Genetics (formerly Invitae), Labcorp); PubMed 9016532 (cited by Labcorp Genetics (formerly Invitae), Labcorp).